The following is an entry in ClinVar:

ClinVar aggregate classification (germline): Uncertain significance. Review status: criteria provided, multiple submitters, no conflicts (2 of 4 stars). 3 submissions from 3 submitters: Uncertain significance (3). Last evaluated 2023-05-24.

Conditions:
LIG4-related disorder. Also called: LIG4-related condition; LIG4-related disorders. Identifiers: MedGen CN239380.
DNA ligase IV deficiency. Identifiers: Orphanet 99812, MedGen C1847827, MONDO:0011686, OMIM 606593.

Allele frequency attached by ClinVar (database versions not stated): gnomAD 0.00008 and 0.00010; ESP Exome Variant Server 0.00015; 1000 Genomes Project 0.00040; gnomAD exomes 0.00001 and 0.00003; ExAC 0.00004; 1000 Genomes Project 30x 0.00062.

Submissions (3):

PreventionGenetics, part of Exact Sciences
Classification: Uncertain significance for LIG4-related condition. Last evaluated: 2023-05-24. Review status: criteria provided, single submitter. Criteria: ACMG Guidelines, 2015. Collection method: clinical testing. Allele origin: germline.
Comment: The LIG4 c.1604C>T variant is predicted to result in the amino acid substitution p.Pro535Leu. To our knowledge, this variant has not been reported in the literature. This variant is reported in 0.024% of alleles in individuals of African descent in gnomAD. At this time, the clinical significance of this variant is uncertain due to the absence of conclusive functional and genetic evidence.

GeneDx
Classification: Uncertain significance. Last evaluated: 2023-03-06. Review status: criteria provided, single submitter. Criteria: GeneDx Variant Classification Process June 2021. Collection method: clinical testing. Allele origin: germline.
Comment: In silico analysis supports that this missense variant has a deleterious effect on protein structure/function; Has not been previously published as pathogenic or benign to our knowledge

Labcorp Genetics (formerly Invitae), Labcorp
Classification: Uncertain significance for DNA ligase IV deficiency. Last evaluated: 2022-07-11. Review status: criteria provided, single submitter. Criteria: Invitae Variant Classification Sherloc (09022015). Collection method: clinical testing. Allele origin: germline.
Comment: This sequence change replaces proline, which is neutral and non-polar, with leucine, which is neutral and non-polar, at codon 535 of the LIG4 protein (p.Pro535Leu). This variant is present in population databases (rs374074342, gnomAD 0.02%). This variant has not been reported in the literature in individuals affected with LIG4-related conditions. ClinVar contains an entry for this variant (Variation ID: 1384038). Algorithms developed to predict the effect of missense changes on protein structure and function are either unavailable or do not agree on the potential impact of this missense change (SIFT: "Deleterious"; PolyPhen-2: "Probably Damaging"; Align-GVGD: "Class C0"). In summary, the available evidence is currently insufficient to determine the role of this variant in disease. Therefore, it has been classified as a Variant of Uncertain Significance.

NM_206937.2(LIG4):c.1604C>T (p.Pro535Leu)

Gene: LIG4 (DNA ligase 4; minus strand). Cytogenetic location: 13q33.3.
Variant type: single nucleotide variant.
Coding change: c.1604C>T on transcript NM_206937.2 (MANE Select); coding-DNA position 1604, C replaced by T.
Protein change: p.Pro535Leu; replaces proline 535 with leucine.
Molecular consequence: missense variant.
Genome position (GRCh38, 1-based): chr13:108,209,665, G>A on the plus strand (C>T on the coding strand, the complement: LIG4 is on the minus strand). VCF-style: chr13-108209665-G-A. GRCh37 (hg19) VCF-style: chr13-108862013-G-A.
Other names: c.1604C>T, p.Pro535Leu (NM_001098268.2, NM_001352598.2, NM_001352599.2 and 6 more transcripts); c.1403C>T, p.Pro468Leu (NM_001330595.2); c.1640C>T, p.Pro547Leu (NM_001352604.2); short protein forms P468L, P535L, P547L.
Identifiers: ClinVar variation 1384038 (VCV001384038.7), dbSNP rs374074342, ClinGen allele CA7043657.